The following is an entry in ClinVar:

NM_017827.4(SARS2):c.273G>A (p.Ser91=)

Gene: SARS2 (seryl-tRNA synthetase 2, mitochondrial; minus strand). Cytogenetic location: 19q13.2.
Variant type: single nucleotide variant.
Coding change: c.273G>A on transcript NM_017827.4 (MANE Select); coding-DNA position 273, G replaced by A.
Protein change: p.Ser91=; no amino-acid change (serine 91 retained).
Molecular consequence: synonymous variant.
Genome position (GRCh38, 1-based): chr19:38,926,295, C>T on the plus strand (G>A on the coding strand, the complement: SARS2 is on the minus strand). VCF-style: chr19-38926295-C-T. GRCh37 (hg19) VCF-style: chr19-39416935-C-T.
Other names: p.S91S:TCG>TCA; c.273G>A, p.Ser91= (NM_001145901.2).
Identifiers: ClinVar variation 138959 (VCV000138959.16), dbSNP rs144229840, ClinGen allele CA293129.

ClinVar aggregate classification (germline): Benign/Likely benign. Review status: criteria provided, multiple submitters, no conflicts (2 of 4 stars). 5 submissions from 5 submitters: Benign (3); Likely benign (1). 1 of the submissions does not count toward it. Last evaluated 2026-02-01.

Conditions:
Hyperuricemia, pulmonary hypertension, renal failure, alkalosis syndrome (HUPRAS). Also called: HYPERURICEMIA, PULMONARY HYPERTENSION, RENAL FAILURE, AND ALKALOSIS SYNDROME; HUPRA SYNDROME. Identifiers: Orphanet 363694, MedGen C3151209, MONDO:0013458, OMIM 613845.

Allele frequency attached by ClinVar (database versions not stated): gnomAD exomes 0.00079 and 0.00203; ExAC 0.00227; ESP Exome Variant Server 0.00600; gnomAD 0.00632 and 0.00672; TOPMed 0.00712; 1000 Genomes Project 30x 0.00734; 1000 Genomes Project 0.00759.
gnomAD v4.1: 2,160 of 1,603,770 alleles (0.13%); highest among the groups gnomAD compares: African/African-American, 2.2%; 24 homozygotes.

Submissions (5):

Labcorp Genetics (formerly Invitae), Labcorp
Classification: Benign. Last evaluated: 2026-02-01. Review status: criteria provided, single submitter. Criteria: Invitae Variant Classification Sherloc (09022015). Collection method: clinical testing. Allele origin: germline.

Fulgent Genetics
Classification: Likely benign for Hyperuricemia, pulmonary hypertension, renal failure, alkalosis syndrome. Last evaluated: 2021-07-23. Review status: criteria provided, single submitter. Criteria: ACMG Guidelines, 2015. Collection method: clinical testing. Allele origin: unknown.

GeneDx
Classification: Benign. Last evaluated: 2014-02-09. Review status: criteria provided, single submitter. Criteria: GeneDx Variant Classification (06012015). Collection method: clinical testing. Allele origin: germline. Affected: yes.
Comment: This variant is considered likely benign or benign based on one or more of the following criteria: it is a conservative change, it occurs at a poorly conserved position in the protein, it is predicted to be benign by multiple in silico algorithms, and/or has population frequency not consistent with disease.

Breakthrough Genomics
Classification: Benign. Review status: criteria provided, single submitter. Criteria: ACMG Guidelines, 2015. Collection method: not provided. Allele origin: germline. Inheritance: Autosomal recessive inheritance. Affected: yes.

Mayo Clinic Laboratories, Mayo Clinic
Classification: Benign. Last evaluated: 2017-08-21. Review status: no assertion criteria provided. Collection method: clinical testing. Allele origin: unknown. Not counted in ClinVar's aggregate classification.